The following is an entry in ClinVar:

ClinVar aggregate classification (germline): Likely benign. Review status: criteria provided, multiple submitters, no conflicts (2 of 4 stars). 2 submissions from 2 submitters: Likely benign (2). Last evaluated 2018-06-14.

Allele frequency attached by ClinVar (database versions not stated): 1000 Genomes Project 0.00699; gnomAD 0.00832 and 0.00827; 1000 Genomes Project 30x 0.00734; gnomAD exomes 0.01215; TOPMed 0.00787.
gnomAD v4.1: 9,358 of 826,848 alleles (1.1%); highest among the groups gnomAD compares: Non-Finnish European, 1.5%; 87 homozygotes.

Submissions (2):

GeneDx
Classification: Likely benign. Last evaluated: 2018-06-14. Review status: criteria provided, single submitter. Criteria: GeneDx Variant Classification (06012015). Collection method: clinical testing. Allele origin: germline. Affected: yes.
Comment: This variant is considered likely benign or benign based on one or more of the following criteria: it is a conservative change, it occurs at a poorly conserved position in the protein, it is predicted to be benign by multiple in silico algorithms, and/or has population frequency not consistent with disease.

Breakthrough Genomics
Classification: Likely benign. Review status: criteria provided, single submitter. Criteria: ACMG Guidelines, 2015. Collection method: not provided. Allele origin: germline. Inheritance: Autosomal dominant inheritance. Affected: yes.

NM_021625.5(TRPV4):c.1892-151G>A

Gene: TRPV4 (transient receptor potential cation channel subfamily V member 4; minus strand). Cytogenetic location: 12q24.11.
Variant type: single nucleotide variant.
Coding change: c.1892-151G>A on transcript NM_021625.5 (MANE Select); 151 bases into the intron before coding-DNA position 1892, G replaced by A.
Molecular consequence: intron variant.
Genome position (GRCh38, 1-based): chr12:109,788,867, C>T on the plus strand (G>A on the coding strand, the complement: TRPV4 is on the minus strand). VCF-style: chr12-109788867-C-T. GRCh37 (hg19) VCF-style: chr12-110226672-C-T.
Other names: c.1571-151G>A (NM_001177433.1); c.1751-151G>A (NM_001177428.1); c.1712-151G>A (NM_147204.2); c.1790-151G>A (NM_001177431.1).
Identifiers: ClinVar variation 672973 (VCV000672973.2), dbSNP rs117793063, ClinGen allele CA243498048.